The following is an entry in ClinVar:

ClinVar aggregate classification (germline): Pathogenic (1 of 4 stars; one submission).

Conditions:
Osteogenesis imperfecta type I (OI1). Also called: OI, TYPE I; OSTEOGENESIS IMPERFECTA TARDA; OSTEOGENESIS IMPERFECTA WITH BLUE SCLERAE; Osteogenesis imperfecta type 1; Lobstein's Disease; Lobstein disease. Identifiers: Orphanet 216796, Orphanet 666, MedGen C0023931, MONDO:0008146, OMIM 166200. Disease mechanism: loss of function.

Submission:

Labcorp Genetics (formerly Invitae), Labcorp
Classification: Pathogenic for Osteogenesis imperfecta type I. Last evaluated: 2023-02-11. Review status: criteria provided, single submitter. Criteria: Invitae Variant Classification Sherloc (09022015). Collection method: clinical testing. Allele origin: germline.
Comment: For these reasons, this variant has been classified as Pathogenic. This variant has not been reported in the literature in individuals affected with COL1A1-related conditions. This variant is not present in population databases (gnomAD no frequency). This sequence change creates a premature translational stop signal (p.Gly458*) in the COL1A1 gene. It is expected to result in an absent or disrupted protein product. Loss-of-function variants in COL1A1 are known to be pathogenic (PMID: 7942841, 9295084, 9443882).

Literature cited by the submitters: PubMed 7942841; PubMed 9295084; PubMed 9443882.

NM_000088.4(COL1A1):c.1372G>T (p.Gly458Ter)

Gene: COL1A1 (collagen type I alpha 1 chain; minus strand). Cytogenetic location: 17q21.33.
Variant type: single nucleotide variant.
Coding change: c.1372G>T on transcript NM_000088.4 (MANE Select); coding-DNA position 1372, G replaced by T.
Protein change: p.Gly458Ter; replaces glycine 458 with a stop codon.
Molecular consequence: nonsense.
Genome position (GRCh38, 1-based): chr17:50,194,810, C>A on the plus strand (G>T on the coding strand, the complement: COL1A1 is on the minus strand). VCF-style: chr17-50194810-C-A. GRCh37 (hg19) VCF-style: chr17-48272171-C-A.
Other names: short protein forms G458*.
Identifiers: ClinVar variation 2836413 (VCV002836413.3), dbSNP rs2509222638, ClinGen allele CA400218448.